The following is an entry in ClinVar:

NM_001386393.1(PANK2):c.-29C>G

Genes: PANK2 (pantothenate kinase 2; plus strand), LOC130065345 (ATAC-STARR-seq lymphoblastoid silent region 12635; plus strand). Cytogenetic location: 20p13.
Variant type: single nucleotide variant.
Coding change: c.-29C>G on transcript NM_001386393.1 (MANE Select); 29 bases upstream of the start codon, C replaced by G.
Molecular consequence: 5 prime UTR variant. On other transcripts: missense variant (2), non-coding transcript variant (1), intron variant (1).
Genome position (GRCh38, 1-based): chr20:3,889,402, C>G. VCF-style: chr20-3889402-C-G. GRCh37 (hg19) VCF-style: chr20-3870049-C-G.
Other names: c.-740C>G (NM_001324191.2); c.302C>G, p.Ala101Gly (NM_001324192.1, NM_153638.4); c.-246+498C>G (NM_024960.6); short protein forms A101G.
Identifiers: ClinVar variation 2150122 (VCV002150122.2), dbSNP rs573948434, ClinGen allele CA9750535.
Genomic context (GRCh38, chr20:3,889,402, plus strand): 5'-CGCGTTGGCGCAACGGAAGAGGCGGCCGGCCGAGGGCGCGCCTCTGCTCTGGCTGGACTG[C>G]CGCGGAGGAGGCGAGAAGGAATCCGACGCTGGGGGGCTTGCTCGGGCGGCAGCGACTGCT-3'

ClinVar aggregate classification (germline): Uncertain significance. Review status: criteria provided, multiple submitters, no conflicts (2 of 4 stars). 2 submissions from 2 submitters: Uncertain significance (2). Last evaluated 2024-09-17.

Conditions:
Pigmentary pallidal degeneration (NBIA1). Also called: PKAN NEUROAXONAL DYSTROPHY, JUVENILE-ONSET; Neurodegeneration with brain iron accumulation 1; HARP SYNDROME; Pantothenate Kinase-Associated Neurodegeneration; Neuroaxonal dystrophy, late infantile; Hallervorden-Spatz disease. Identifiers: Orphanet 157850, MedGen C0018523, MONDO:0009319, OMIM 234200.

Allele frequency attached by ClinVar (database versions not stated): 1000 Genomes Project 30x 0.00016; 1000 Genomes Project 0.00020.
gnomAD v4.1: 61 of 1,572,350 alleles (0.0039%); highest among the groups gnomAD compares: Middle Eastern, 0.017%; no homozygotes.

Submissions (2):

Blueprint Genetics
Classification: Uncertain significance. Last evaluated: 2024-09-17. Review status: criteria provided, single submitter. Criteria: ACMG Guidelines, 2015. Collection method: clinical testing. Allele origin: germline.

Labcorp Genetics (formerly Invitae), Labcorp
Classification: Uncertain significance for Pigmentary pallidal degeneration. Last evaluated: 2022-09-01. Review status: criteria provided, single submitter. Criteria: Invitae Variant Classification Sherloc (09022015). Collection method: clinical testing. Allele origin: germline.
Comment: This sequence change replaces alanine, which is neutral and non-polar, with glycine, which is neutral and non-polar, at codon 101 of the PANK2 protein (p.Ala101Gly). This variant is present in population databases (rs573948434, gnomAD 0.04%). This variant has not been reported in the literature in individuals affected with PANK2-related conditions. Algorithms developed to predict the effect of missense changes on protein structure and function (SIFT, PolyPhen-2, Align-GVGD) all suggest that this variant is likely to be tolerated. In summary, the available evidence is currently insufficient to determine the role of this variant in disease. Therefore, it has been classified as a Variant of Uncertain Significance.